The following is an entry in ClinVar:

NM_005518.4(HMGCS2):c.153A>G (p.Pro51=)

Gene: HMGCS2 (3-hydroxy-3-methylglutaryl-CoA synthase 2; minus strand). Cytogenetic location: 1p12.
Variant type: single nucleotide variant.
Coding change: c.153A>G on transcript NM_005518.4 (MANE Select); coding-DNA position 153, A replaced by G.
Protein change: p.Pro51=; no amino-acid change (proline 51 retained).
Molecular consequence: synonymous variant.
Genome position (GRCh38, 1-based): chr1:119,764,578, T>C on the plus strand (A>G on the coding strand, the complement: HMGCS2 is on the minus strand). VCF-style: chr1-119764578-T-C. GRCh37 (hg19) VCF-style: chr1-120307201-T-C.
Other names: c.153A>G, p.Pro51= (NM_001166107.1).
Identifiers: ClinVar variation 3039773 (VCV003039773.2), dbSNP rs1653156303, ClinGen allele CA420028551.

ClinVar aggregate classification (germline): Likely benign (0 of 4 stars; one submission).

Conditions:
HMGCS2-related disorder. Also called: HMGCS2-related condition.

Allele frequency attached by ClinVar (database versions not stated): gnomAD exomes below 0.00001.

Submission:

PreventionGenetics, part of Exact Sciences
Classification: Likely benign for HMGCS2-related condition. Last evaluated: 2019-09-17. Review status: no assertion criteria provided. Collection method: clinical testing. Allele origin: germline.
Comment: This variant is classified as likely benign based on ACMG/AMP sequence variant interpretation guidelines (Richards et al. 2015 PMID: 25741868, with internal and published modifications).